The following is an entry in ClinVar:

NM_000059.4(BRCA2):c.8903C>A (p.Thr2968Asn)

Gene: BRCA2 (BRCA2 DNA repair associated; plus strand). Cytogenetic location: 13q13.1.
Variant type: single nucleotide variant.
Coding change: c.8903C>A on transcript NM_000059.4 (MANE Select); coding-DNA position 8903, C replaced by A.
Protein change: p.Thr2968Asn; replaces threonine 2968 with asparagine.
Molecular consequence: missense variant. On other transcripts: non-coding transcript variant (1).
Genome position (GRCh38, 1-based): chr13:32,379,465, C>A. VCF-style: chr13-32379465-C-A. GRCh37 (hg19) VCF-style: chr13-32953602-C-A.
Other names: c.8807C>A, p.Thr2936Asn (NM_001406719.1); c.8903C>A, p.Thr2968Asn (NM_001406720.1); c.3971C>A, p.Thr1324Asn (NM_001406721.1); c.2486C>A, p.Thr829Asn (NM_001406722.1); short protein forms T1324N, T829N, T2936N, T2968N.
Identifiers: ClinVar variation 2701419 (VCV002701419.3), dbSNP rs2137620314, ClinGen allele CA387757237.

ClinVar aggregate classification (germline): Uncertain significance (1 of 4 stars; one submission).

Conditions:
Hereditary breast ovarian cancer syndrome. Also called: Hereditary breast and/or ovarian cancer syndrome; Hereditary breast and ovarian cancer syndrome (HBOC); Breast and ovarian cancer; Hereditary breast and ovarian cancer syndrome; Hereditary breast and ovarian cancer; BRCA1- and BRCA2-Associated Hereditary Breast and Ovarian Cancer. Identifiers: Orphanet 145, MedGen C0677776, MeSH D061325, MONDO:0003582. Disease mechanism: loss of function.

Submission:

Labcorp Genetics (formerly Invitae), Labcorp
Classification: Uncertain significance for Hereditary breast ovarian cancer syndrome. Last evaluated: 2023-12-08. Review status: criteria provided, single submitter. Criteria: Invitae Variant Classification Sherloc (09022015). Collection method: clinical testing. Allele origin: germline.
Comment: This sequence change replaces threonine, which is neutral and polar, with asparagine, which is neutral and polar, at codon 2968 of the BRCA2 protein (p.Thr2968Asn). This variant is not present in population databases (gnomAD no frequency). This variant has not been reported in the literature in individuals affected with BRCA2-related conditions. Advanced modeling of protein sequence and biophysical properties (such as structural, functional, and spatial information, amino acid conservation, physicochemical variation, residue mobility, and thermodynamic stability) performed at Invitae indicates that this missense variant is not expected to disrupt BRCA2 protein function with a negative predictive value of 95%. In summary, the available evidence is currently insufficient to determine the role of this variant in disease. Therefore, it has been classified as a Variant of Uncertain Significance.